The following is an entry in ClinVar:

ClinVar aggregate classification (germline): Uncertain significance (1 of 4 stars; one submission).

Conditions:
Mendelian susceptibility to mycobacterial diseases due to complete IL12B deficiency. Also called: IL12B DEFICIENCY; Immunodeficiency 29. Identifiers: Orphanet 319558, MedGen C4013948, MONDO:0013954, OMIM 614890.

Allele frequency attached by ClinVar (database versions not stated): gnomAD exomes below 0.00001.
gnomAD v4.1: 1 of 1,614,166 alleles (0.000062%); highest among the groups gnomAD compares: Non-Finnish European, 0.000085%; no homozygotes.

Submission:

Labcorp Genetics (formerly Invitae), Labcorp
Classification: Uncertain significance for Mendelian susceptibility to mycobacterial diseases due to complete IL12B deficiency. Last evaluated: 2021-08-07. Review status: criteria provided, single submitter. Criteria: Invitae Variant Classification Sherloc (09022015). Collection method: clinical testing. Allele origin: germline.
Comment: In summary, the available evidence is currently insufficient to determine the role of this variant in disease. Therefore, it has been classified as a Variant of Uncertain Significance. Algorithms developed to predict the effect of missense changes on protein structure and function (SIFT, PolyPhen-2, Align-GVGD) all suggest that this variant is likely to be tolerated. This variant has not been reported in the literature in individuals affected with IL12B-related conditions. This variant is not present in population databases (ExAC no frequency). This sequence change replaces methionine with isoleucine at codon 211 of the IL12B protein (p.Met211Ile). The methionine residue is weakly conserved and there is a small physicochemical difference between methionine and isoleucine.

NM_002187.3(IL12B):c.633G>A (p.Met211Ile)

Gene: IL12B (interleukin 12B; minus strand). Cytogenetic location: 5q33.3.
Variant type: single nucleotide variant.
Coding change: c.633G>A on transcript NM_002187.3 (MANE Select); coding-DNA position 633, G replaced by A.
Protein change: p.Met211Ile; replaces methionine 211 with isoleucine.
Molecular consequence: missense variant.
Genome position (GRCh38, 1-based): chr5:159,320,370, C>T on the plus strand (G>A on the coding strand, the complement: IL12B is on the minus strand). VCF-style: chr5-159320370-C-T. GRCh37 (hg19) VCF-style: chr5-158747378-C-T.
Other names: short protein forms M211I.
Identifiers: ClinVar variation 1397991 (VCV001397991.6), dbSNP rs2113025980, ClinGen allele CA362032539.